The following is an entry in ClinVar:

ClinVar aggregate classification (germline): Uncertain significance (1 of 4 stars; one submission).

Conditions:
Cardiovascular phenotype. Identifiers: MedGen CN230736.

Allele frequency attached by ClinVar (database versions not stated): gnomAD exomes below 0.00001.
gnomAD v4.1: 1 of 1,614,170 alleles (0.000062%); highest among the groups gnomAD compares: Non-Finnish European, 0.000085%; no homozygotes.

Submission:

Ambry Genetics
Classification: Uncertain significance for Cardiovascular phenotype. Last evaluated: 2023-11-23. Review status: criteria provided, single submitter. Criteria: Ambry Variant Classification Scheme 2023. Collection method: clinical testing. Allele origin: germline.
Comment: The p.P138S variant (also known as c.412C>T), located in coding exon 1 of the MYPN gene, results from a C to T substitution at nucleotide position 412. The proline at codon 138 is replaced by serine, an amino acid with similar properties. This amino acid position is conserved. In addition, this alteration is predicted to be tolerated by in silico analysis. Since supporting evidence is limited at this time, the clinical significance of this alteration remains unclear.

NM_032578.4(MYPN):c.412C>T (p.Pro138Ser)

Gene: MYPN (myopalladin; plus strand). Cytogenetic location: 10q21.3.
Variant type: single nucleotide variant.
Coding change: c.412C>T on transcript NM_032578.4 (MANE Select); coding-DNA position 412, C replaced by T.
Protein change: p.Pro138Ser; replaces proline 138 with serine.
Molecular consequence: missense variant. On other transcripts: 5 prime UTR variant (1), non-coding transcript variant (1).
Genome position (GRCh38, 1-based): chr10:68,121,850, C>T. VCF-style: chr10-68121850-C-T. GRCh37 (hg19) VCF-style: chr10-69881607-C-T.
Other names: c.412C>T, p.Pro138Ser (NM_001256267.2); c.-711C>T (NM_001256268.2); short protein forms P138S.
Identifiers: ClinVar variation 3228176 (VCV003228176.1), dbSNP rs2495462988, ClinGen allele CA377104288.